The following is an entry in ClinVar:

ClinVar aggregate classification (germline): Likely pathogenic. Review status: no assertion criteria provided (0 of 4 stars). 2 submissions from 2 submitters: Likely pathogenic (1). 1 of the submissions does not count toward it.

Conditions:
Chédiak-Higashi syndrome (CHS). Also called: Chediak-Higashi Syndrome. Identifiers: Orphanet 167, MedGen C0007965, MONDO:0008963, OMIM 214500.

Allele frequency attached by ClinVar (database versions not stated): gnomAD 0.00001.
gnomAD v4.1: 1 of 1,613,970 alleles (0.000062%); highest among the groups gnomAD compares: African/African-American, 0.0013%; no homozygotes.

Submissions (2):

GeneReviews
No classification provided. Condition: Chédiak-Higashi syndrome. Review status: no classification provided. Collection method: literature only. Allele origin: germline. Not counted in ClinVar's aggregate classification.

ISTH-SSC Genomics in Thrombosis and Hemostasis, KU Leuven, Center for Molecular and Vascular Biology
Classification: Likely pathogenic for Chédiak-Higashi syndrome. Review status: no assertion criteria provided. Collection method: research. Allele origin: germline. Affected: yes.
Comment: Submitted to GoldVariant by Jose María Bastida from Grupo Español de Alteraciones Plaquetarias Congénitas (GEAPC), Salamanca, Spain

Literature cited by the submitters: PubMed 24112114 (cited by GeneReviews).

NM_000081.4(LYST):c.772T>C (p.Cys258Arg)

Gene: LYST (lysosomal trafficking regulator; minus strand). Cytogenetic location: 1q42.3.
Variant type: single nucleotide variant.
Coding change: c.772T>C on transcript NM_000081.4 (MANE Select); coding-DNA position 772, T replaced by C.
Protein change: p.Cys258Arg; replaces cysteine 258 with arginine.
Molecular consequence: missense variant.
Genome position (GRCh38, 1-based): chr1:235,810,046, A>G on the plus strand (T>C on the coding strand, the complement: LYST is on the minus strand). VCF-style: chr1-235810046-A-G. GRCh37 (hg19) VCF-style: chr1-235973346-A-G.
Other names: c.772T>C, p.Cys258Arg (NM_001301365.1); short protein forms C258R.
Identifiers: ClinVar variation 180622 (VCV000180622.5), dbSNP rs797044534, ClinGen allele CA347084.